The following is an entry in ClinVar:

ClinVar aggregate classification (germline): Benign/Likely benign. Review status: criteria provided, multiple submitters, no conflicts (2 of 4 stars). 7 submissions from 7 submitters: Benign (2); Likely benign (5). Last evaluated 2026-07-15.

Conditions:
TSC1-related disorder. Also called: TSC1-related condition.
Hereditary cancer-predisposing syndrome. Also called: Neoplastic Syndromes, Hereditary; Hereditary neoplastic syndrome; Hereditary Cancer Syndrome; Tumor predisposition. Identifiers: Orphanet 140162, MedGen C0027672, MeSH D009386, MONDO:0015356.
Tuberous sclerosis syndrome (TSC). Also called: Tuberous sclerosis; Tuberous Sclerosis Complex. Identifiers: Orphanet 805, MedGen C0041341, MONDO:0001734.
Tuberous sclerosis 1 (TSC1). Identifiers: Orphanet 805, MedGen C1854465, MONDO:0008612, OMIM 191100.

Allele frequency attached by ClinVar (database versions not stated): gnomAD exomes 0.00001 and 0.00007; gnomAD 0.00002 and 0.00001; TOPMed 0.00002; ExAC 0.00007; 1000 Genomes Project 30x 0.00016; 1000 Genomes Project 0.00020.
gnomAD v4.1: 20 of 1,614,150 alleles (0.0012%); highest among the groups gnomAD compares: East Asian, 0.04%; no homozygotes.

Submissions (7):

PreventionGenetics, part of Exact Sciences
Classification: Likely benign for TSC1-related condition. Last evaluated: 2026-07-15. Review status: criteria provided, single submitter. Criteria: ACMG Guidelines, 2015. Collection method: clinical testing. Allele origin: germline.
Comment: This variant is classified as likely benign based on ACMG/AMP sequence variant interpretation guidelines (Richards et al. 2015 PMID: 25741868, with internal and published modifications).

Labcorp Genetics (formerly Invitae), Labcorp
Classification: Likely benign for Tuberous sclerosis 1. Last evaluated: 2025-12-15. Review status: criteria provided, single submitter. Criteria: Invitae Variant Classification Sherloc (09022015). Collection method: clinical testing. Allele origin: germline.

Myriad Genetics, Inc.
Classification: Likely benign for Tuberous sclerosis 1. Last evaluated: 2024-08-26. Review status: criteria provided, single submitter. Criteria: Myriad Autosomal Dominant, Autosomal Recessive and X-Linked Classification Criteria (2023). Collection method: clinical testing. Allele origin: unknown.
Comment: This variant is considered likely benign. This variant has been observed at a population frequency that is significantly greater than expected given the associated disease prevalence and penetrance.

Color Diagnostics, LLC DBA Color Health
Classification: Benign for Tuberous sclerosis syndrome. Last evaluated: 2022-05-19. Review status: criteria provided, single submitter. Criteria: ACMG Guidelines, 2015. Collection method: clinical testing. Allele origin: germline.

Sema4
Classification: Likely benign for Hereditary cancer-predisposing syndrome. Last evaluated: 2022-01-24. Review status: criteria provided, single submitter. Criteria: Sema4 Curation Guidelines. Collection method: curation. Allele origin: germline.

Ambry Genetics
Classification: Benign for Hereditary cancer-predisposing syndrome. Last evaluated: 2021-12-07. Review status: criteria provided, single submitter. Criteria: Ambry Variant Classification Scheme 2023. Collection method: clinical testing. Allele origin: germline.

Genome-Nilou Lab
Classification: Likely benign for Tuberous sclerosis 1. Last evaluated: 2021-11-07. Review status: criteria provided, single submitter. Criteria: ACMG Guidelines, 2015. Collection method: clinical testing. Allele origin: germline. Affected: no.

Literature cited by the submitters: PubMed 30093976 (cited by Sema4 and Ambry Genetics).

NM_000368.5(TSC1):c.593A>G (p.Asn198Ser)

Gene: TSC1 (TSC complex subunit 1; minus strand). Cytogenetic location: 9q34.13.
Variant type: single nucleotide variant.
Coding change: c.593A>G on transcript NM_000368.5 (MANE Select); coding-DNA position 593, A replaced by G.
Protein change: p.Asn198Ser; replaces asparagine 198 with serine.
Molecular consequence: missense variant.
Genome position (GRCh38, 1-based): chr9:132,921,889, T>C on the plus strand (A>G on the coding strand, the complement: TSC1 is on the minus strand). VCF-style: chr9-132921889-T-C. GRCh37 (hg19) VCF-style: chr9-135797276-T-C.
Other names: c.593A>G, p.Asn198Ser (NM_001162426.2); c.440A>G, p.Asn147Ser (NM_001162427.2); c.230A>G, p.Asn77Ser (NM_001362177.2); short protein forms N198S, N147S, N77S.
Identifiers: ClinVar variation 237723 (VCV000237723.21), dbSNP rs577983115, ClinGen allele CA038180.